The following is an entry in ClinVar:

ClinVar aggregate classification (germline): Conflicting classifications of pathogenicity. Review status: criteria provided, conflicting classifications (1 of 4 stars). 5 submissions from 5 submitters: Uncertain significance (1); Likely benign (3). 1 of the submissions does not count toward it. Last evaluated 2026-01-28.

Conditions:
NAGLU-related disorder. Also called: NAGLU-related condition.
Mucopolysaccharidosis, MPS-III-B (MPS3B). Also called: N-ACETYL-ALPHA-D-GLUCOSAMINIDASE DEFICIENCY; NAGLU DEFICIENCY; SANFILIPPO SYNDROME B; MPS III B; MUCOPOLYSACCHARIDOSIS, TYPE IIIB; MPS IIIB (Sanfilippo Syndrome Type B). Identifiers: Orphanet 79270, MedGen C0086648, MONDO:0009656, OMIM 252920.
Charcot-Marie-Tooth disease axonal type 2V. Also called: CHARCOT-MARIE-TOOTH NEUROPATHY, TYPE 2V; CHARCOT-MARIE-TOOTH DISEASE, AXONAL, AUTOSOMAL DOMINANT, TYPE 2V. Identifiers: Orphanet 447964, MedGen C5569050, MONDO:0014665, OMIM 616491.

Allele frequency attached by ClinVar (database versions not stated): TOPMed 0.00012; ESP Exome Variant Server 0.00015.
gnomAD v4.1: 378 of 1,613,000 alleles (0.023%); highest among the groups gnomAD compares: Non-Finnish European, 0.029%; no homozygotes.

Submissions (5):

Labcorp Genetics (formerly Invitae), Labcorp
Classification: Likely benign for Charcot-Marie-Tooth disease axonal type 2V; Mucopolysaccharidosis, MPS-III-B. Last evaluated: 2026-01-28. Review status: criteria provided, single submitter. Criteria: Invitae Variant Classification Sherloc (09022015). Collection method: clinical testing. Allele origin: germline.

Blueprint Genetics
Classification: Likely benign. Last evaluated: 2024-06-18. Review status: criteria provided, single submitter. Criteria: ACMG Guidelines, 2015. Collection method: clinical testing. Allele origin: germline.

CeGaT Center for Human Genetics Tuebingen
Classification: Likely benign. Last evaluated: 2024-04-01. Review status: criteria provided, single submitter. Criteria: CeGaT Center For Human Genetics Tuebingen Variant Classification Criteria Version 2. Collection method: clinical testing. Allele origin: germline. Affected: yes. Observed: 1 variant allele.
Comment: NAGLU: BP4, BP7

Illumina Laboratory Services, Illumina
Classification: Uncertain significance for Mucopolysaccharidosis, MPS-III-B. Last evaluated: 2017-04-28. Review status: criteria provided, single submitter. Criteria: ICSL Variant Classification Criteria 13 December 2019. Collection method: clinical testing. Allele origin: germline.

PreventionGenetics, part of Exact Sciences
Classification: Likely benign for NAGLU-related condition. Last evaluated: 2019-06-17. Review status: no assertion criteria provided. Collection method: clinical testing. Allele origin: germline. Not counted in ClinVar's aggregate classification.
Comment: This variant is classified as likely benign based on ACMG/AMP sequence variant interpretation guidelines (Richards et al. 2015 PMID: 25741868, with internal and published modifications).

NM_000263.4(NAGLU):c.1623G>A (p.Arg541=)

Gene: NAGLU (N-acetyl-alpha-glucosaminidase; plus strand). Cytogenetic location: 17q21.2.
Variant type: single nucleotide variant.
Coding change: c.1623G>A on transcript NM_000263.4 (MANE Select); coding-DNA position 1623, G replaced by A.
Protein change: p.Arg541=; no amino-acid change (arginine 541 retained).
Molecular consequence: synonymous variant.
Genome position (GRCh38, 1-based): chr17:42,543,629, G>A. VCF-style: chr17-42543629-G-A. GRCh37 (hg19) VCF-style: chr17-40695647-G-A.
Identifiers: ClinVar variation 891435 (VCV000891435.34), dbSNP rs146438251, ClinGen allele CA8577062.